The following is an entry in ClinVar:

NM_004364.5(CEBPA):c.791G>C (p.Arg264Pro)

Gene: CEBPA (CCAAT enhancer binding protein alpha; minus strand). Cytogenetic location: 19q13.11.
Variant type: single nucleotide variant.
Coding change: c.791G>C on transcript NM_004364.5 (MANE Select); coding-DNA position 791, G replaced by C.
Protein change: p.Arg264Pro; replaces arginine 264 with proline.
Molecular consequence: missense variant.
Genome position (GRCh38, 1-based): chr19:33,301,624, C>G on the plus strand (G>C on the coding strand, the complement: CEBPA is on the minus strand). VCF-style: chr19-33301624-C-G. GRCh37 (hg19) VCF-style: chr19-33792530-C-G.
Other names: c.434G>C, p.Arg145Pro (NM_001285829.2); c.896G>C, p.Arg299Pro (NM_001287424.2); c.749G>C, p.Arg250Pro (NM_001287435.2); c.791G>C (NM_004364.3); short protein forms R145P, R250P, R264P, R299P.
Identifiers: ClinVar variation 1445266 (VCV001445266.10), dbSNP rs1294426980, ClinGen allele CA405274205.
Genomic context (GRCh38, chr19:33,301,624, plus strand): 5'-TCGTTGCTGTTCTTGTCCACCGACTTCTTGGCCTTGCCCGCGCCGCTGCCGCCACTCGCG[C>G]GGAGGTCGGGGTGCGCGGCGCCCAGCCCCTTGAGCGCGCTGCCAGGGCCCGGCAGGCCGG-3'
Protein context (NP_004355.2, residues 254-274): KGLGAAHPDL[Arg264Pro]ASGGSGAGKA

ClinVar aggregate classification (germline): Uncertain significance. Review status: criteria provided, multiple submitters, no conflicts (2 of 4 stars). 3 submissions from 3 submitters: Uncertain significance (3). Last evaluated 2026-07-02.

Conditions:
Acute myeloid leukemia (AML). Also called: Leukemia, acute myeloid, somatic; Leukemia, acute myelogenous, somatic; Acute myeloid leukemia, adult; AML adult; Acute non-lymphocytic leukemia; Acute granulocytic leukemia. Identifiers: Orphanet 519, MedGen C0023467, MeSH D015470, MONDO:0018874, OMIM 601626, HP:0004808. Disease mechanism: Constitutively activated FLT3.
Inborn genetic diseases. Identifiers: MedGen C0950123, MeSH D030342.

Allele frequency attached by ClinVar (database versions not stated): TOPMed below 0.00001; gnomAD 0.00001.
gnomAD v4.1: 1 of 1,585,098 alleles (0.000063%); highest among the groups gnomAD compares: African/African-American, 0.0013%; no homozygotes.

Submissions (3):

Ambry Genetics
Classification: Uncertain significance for Inborn genetic diseases. Last evaluated: 2026-07-02. Review status: criteria provided, single submitter. Criteria: Ambry Variant Classification Scheme 2023. Collection method: clinical testing. Allele origin: germline.
Comment: The p.R264P variant (also known as c.791G>C), located in coding exon 1 of the CEBPA gene, results from a G to C substitution at nucleotide position 791. The arginine at codon 264 is replaced by proline, an amino acid with dissimilar properties. This amino acid position is conserved. In addition, this alteration is predicted to be tolerated by in silico analysis. Based on the available evidence, the clinical significance of this variant remains unclear.

GeneDx
Classification: Uncertain significance. Last evaluated: 2022-10-06. Review status: criteria provided, single submitter. Criteria: GeneDx Variant Classification Process June 2021. Collection method: clinical testing. Allele origin: germline. Affected: yes.
Comment: Not observed at significant frequency in large population cohorts (gnomAD); In silico analysis supports that this missense variant does not alter protein structure/function; Has not been previously published as pathogenic or benign to our knowledge

Labcorp Genetics (formerly Invitae), Labcorp
Classification: Uncertain significance for Acute myeloid leukemia. Last evaluated: 2020-11-15. Review status: criteria provided, single submitter. Criteria: Invitae Variant Classification Sherloc (09022015). Collection method: clinical testing. Allele origin: germline.
Comment: This sequence change replaces arginine with proline at codon 264 of the CEBPA protein (p.Arg264Pro). The arginine residue is weakly conserved and there is a moderate physicochemical difference between arginine and proline. In summary, the available evidence is currently insufficient to determine the role of this variant in disease. Therefore, it has been classified as a Variant of Uncertain Significance. Algorithms developed to predict the effect of missense changes on protein structure and function are either unavailable or do not agree on the potential impact of this missense change (SIFT: "Tolerated"; PolyPhen-2: "Possibly Damaging"; Align-GVGD: "Class C0"). This variant has not been reported in the literature in individuals with CEBPA-related conditions. This variant is not present in population databases (ExAC no frequency).